The following is an entry in ClinVar:

ClinVar aggregate classification (germline): Uncertain significance (1 of 4 stars; one submission).

Allele frequency attached by ClinVar (database versions not stated): ESP Exome Variant Server 0.00015.
gnomAD v4.1: 31 of 1,614,188 alleles (0.0019%); highest among the groups gnomAD compares: Non-Finnish European, 0.0025%; no homozygotes.

Submission:

Labcorp Genetics (formerly Invitae), Labcorp
Classification: Uncertain significance. Last evaluated: 2024-08-30. Review status: criteria provided, single submitter. Criteria: Invitae Variant Classification Sherloc (09022015). Collection method: clinical testing. Allele origin: germline.
Comment: This sequence change replaces glutamine, which is neutral and polar, with arginine, which is basic and polar, at codon 661 of the EMC1 protein (p.Gln661Arg). This variant is not present in population databases (gnomAD no frequency). This variant has not been reported in the literature in individuals affected with EMC1-related conditions. ClinVar contains an entry for this variant (Variation ID: 1979532). Invitae Evidence Modeling of protein sequence and biophysical properties (such as structural, functional, and spatial information, amino acid conservation, physicochemical variation, residue mobility, and thermodynamic stability) indicates that this missense variant is expected to disrupt EMC1 protein function with a positive predictive value of 80%. In summary, the available evidence is currently insufficient to determine the role of this variant in disease. Therefore, it has been classified as a Variant of Uncertain Significance.

NM_015047.3(EMC1):c.1982A>G (p.Gln661Arg)

Genes: EMC1 (ER membrane protein complex subunit 1; minus strand), EMC1-AS1 (EMC1 antisense RNA 1; plus strand). Cytogenetic location: 1p36.13.
Variant type: single nucleotide variant.
Coding change: c.1982A>G on transcript NM_015047.3 (MANE Select); coding-DNA position 1982, A replaced by G.
Protein change: p.Gln661Arg; replaces glutamine 661 with arginine.
Molecular consequence: missense variant.
Genome position (GRCh38, 1-based): chr1:19,230,926, T>C on the plus strand (A>G on the coding strand, the complement: EMC1 is on the minus strand). VCF-style: chr1-19230926-T-C. GRCh37 (hg19) VCF-style: chr1-19557420-T-C.
Other names: c.1979A>G, p.Gln660Arg (NM_001271427.2, NM_001271428.2); c.1916A>G, p.Gln639Arg (NM_001271429.2); c.1991A>G, p.Gln664Arg (NM_001375820.1); c.1988A>G, p.Gln663Arg (NM_001375821.1); short protein forms Q639R, Q661R, Q664R, Q660R, Q663R.
Identifiers: ClinVar variation 1979532 (VCV001979532.4), dbSNP rs373217588, ClinGen allele CA18814834.